The following is an entry in ClinVar:

NM_001378457.1(DMXL2):c.8340T>C (p.Leu2780=)

Gene: DMXL2 (Dmx like 2; minus strand). Cytogenetic location: 15q21.2.
Variant type: single nucleotide variant.
Coding change: c.8340T>C on transcript NM_001378457.1 (MANE Select); coding-DNA position 8340, T replaced by C.
Protein change: p.Leu2780=; no amino-acid change (leucine 2780 retained).
Molecular consequence: synonymous variant. On other transcripts: non-coding transcript variant (2).
Genome position (GRCh38, 1-based): chr15:51,456,367, A>G on the plus strand (T>C on the coding strand, the complement: DMXL2 is on the minus strand). VCF-style: chr15-51456367-A-G. GRCh37 (hg19) VCF-style: chr15-51748564-A-G.
Other names: p.Leu2759=; c.8277T>C (NM_001174116.1, NM_001174116.2); c.8277T>C, p.Leu2759= (NM_001174116.3); c.6366T>C, p.Leu2122= (NM_001174117.3); c.8337T>C, p.Leu2779= (NM_001378458.1); c.8052T>C, p.Leu2684= (NM_001378459.1); c.6255T>C, p.Leu2085= (NM_001378460.1); c.8274T>C, p.Leu2758= (NM_015263.5).
Identifiers: ClinVar variation 1572100 (VCV001572100.12), dbSNP rs76659258, ClinGen allele CA7561066.

ClinVar aggregate classification (germline): Benign. Review status: criteria provided, multiple submitters, no conflicts (2 of 4 stars). 4 submissions from 4 submitters: Benign (3). 1 of the submissions does not count toward it. Last evaluated 2026-02-04.

Conditions:
DMXL2-related disorder. Also called: DMXL2-related condition.

Allele frequency attached by ClinVar (database versions not stated): gnomAD exomes 0.03219 and 0.02568; 1000 Genomes Project 0.01398; gnomAD 0.02267 and 0.02254; 1000 Genomes Project 30x 0.01327; TOPMed 0.02314; ESP Exome Variant Server 0.02662; ExAC 0.02893.
gnomAD v4.1: 49,124 of 1,571,072 alleles (3.1%); highest among the groups gnomAD compares: Middle Eastern, 4.5%; 933 homozygotes.

Submissions (4):

Labcorp Genetics (formerly Invitae), Labcorp
Classification: Benign. Last evaluated: 2026-02-04. Review status: criteria provided, single submitter. Criteria: Invitae Variant Classification Sherloc (09022015). Collection method: clinical testing. Allele origin: germline.

Mayo Clinic Laboratories, Mayo Clinic
Classification: Benign. Last evaluated: 2024-10-16. Review status: criteria provided, single submitter. Criteria: ACMG Guidelines, 2015. Collection method: clinical testing. Allele origin: germline. Observed: 22 variant alleles.
Comment: BA1, BS2

Breakthrough Genomics
Classification: Benign. Review status: criteria provided, single submitter. Criteria: ACMG Guidelines, 2015. Collection method: not provided. Allele origin: germline. Inheritance: Autosomal recessive inheritance. Affected: yes.

PreventionGenetics, part of Exact Sciences
Classification: Benign for DMXL2-related condition. Last evaluated: 2019-04-10. Review status: no assertion criteria provided. Collection method: clinical testing. Allele origin: germline. Not counted in ClinVar's aggregate classification.
Comment: This variant is classified as benign based on ACMG/AMP sequence variant interpretation guidelines (Richards et al. 2015 PMID: 25741868, with internal and published modifications).